The following is an entry in ClinVar:

ClinVar aggregate classification (germline): Uncertain significance (1 of 4 stars; one submission).

Conditions:
Tuberous sclerosis 2 (TSC2). Identifiers: Orphanet 805, MedGen C1860707, MONDO:0013199, OMIM 613254.

Submission:

Labcorp Genetics (formerly Invitae), Labcorp
Classification: Uncertain significance for Tuberous sclerosis 2. Last evaluated: 2023-07-17. Review status: criteria provided, single submitter. Criteria: Invitae Variant Classification Sherloc (09022015). Collection method: clinical testing. Allele origin: germline.
Comment: This variant is not present in population databases (gnomAD no frequency). This sequence change replaces lysine, which is basic and polar, with arginine, which is basic and polar, at codon 1701 of the TSC2 protein (p.Lys1701Arg). This variant has not been reported in the literature in individuals affected with TSC2-related conditions. In summary, the available evidence is currently insufficient to determine the role of this variant in disease. Therefore, it has been classified as a Variant of Uncertain Significance. Advanced modeling of protein sequence and biophysical properties (such as structural, functional, and spatial information, amino acid conservation, physicochemical variation, residue mobility, and thermodynamic stability) performed at Invitae indicates that this missense variant is not expected to disrupt TSC2 protein function. ClinVar contains an entry for this variant (Variation ID: 2102448).

NM_000548.5(TSC2):c.5102A>G (p.Lys1701Arg)

Gene: TSC2 (TSC complex subunit 2; plus strand). Cytogenetic location: 16p13.3.
Variant type: single nucleotide variant.
Coding change: c.5102A>G on transcript NM_000548.5 (MANE Select); coding-DNA position 5102, A replaced by G.
Protein change: p.Lys1701Arg; replaces lysine 1701 with arginine.
Molecular consequence: missense variant.
Genome position (GRCh38, 1-based): chr16:2,088,081, A>G. VCF-style: chr16-2088081-A-G. GRCh37 (hg19) VCF-style: chr16-2138082-A-G.
Other names: c.4973A>G, p.Lys1658Arg (NM_001370405.1, NM_021055.3); c.5099A>G, p.Lys1700Arg (NM_001406663.1); c.5030A>G, p.Lys1677Arg (NM_001406664.1); c.5024A>G, p.Lys1675Arg (NM_001406665.1); c.4994A>G, p.Lys1665Arg (NM_001406667.1); c.4991A>G, p.Lys1664Arg (NM_001406668.1); c.4922A>G, p.Lys1641Arg (NM_001406670.1); c.4892A>G, p.Lys1631Arg (NM_001406671.1); and 26 more; short protein forms K1586R, K1630R, K1635R, K1657R, K1677R, K1100R, K1186R, K1187R.
Identifiers: ClinVar variation 2102448 (VCV002102448.4), dbSNP rs2151620879, ClinGen allele CA394312196.